The following is an entry in ClinVar:

ClinVar aggregate classification (germline): Uncertain significance. Review status: criteria provided, multiple submitters, no conflicts (2 of 4 stars). 2 submissions from 2 submitters: Uncertain significance (2). Last evaluated 2025-12-04.

Conditions:
Hereditary motor and sensory neuropathy, Okinawa type (HMSNO). Also called: HEREDITARY MOTOR AND SENSORY NEUROPATHY, PROXIMAL TYPE. Identifiers: Orphanet 90117, MedGen C1858338, MONDO:0011468, OMIM 604484.
Hereditary spastic paraplegia 57. Also called: Spastic paraplegia 57, autosomal recessive. Identifiers: Orphanet 431329, MedGen C3714897, MONDO:0014295, OMIM 615658.

Allele frequency attached by ClinVar (database versions not stated): gnomAD 0.00001.

Submissions (2):

Labcorp Genetics (formerly Invitae), Labcorp
Classification: Uncertain significance for Hereditary motor and sensory neuropathy, Okinawa type; Hereditary spastic paraplegia 57. Last evaluated: 2025-12-04. Review status: criteria provided, single submitter. Criteria: Invitae Variant Classification Sherloc (09022015). Collection method: clinical testing. Allele origin: germline.
Comment: This sequence change creates a premature translational stop signal (p.Arg400*) in the TFG gene. While this is not anticipated to result in nonsense mediated decay, it is expected to disrupt the last 1 amino acid(s) of the TFG protein. This variant is present in population databases (rs757661070, gnomAD 0.002%). This variant has not been reported in the literature in individuals affected with TFG-related conditions. ClinVar contains an entry for this variant (Variation ID: 811936). In summary, the available evidence is currently insufficient to determine the role of this variant in disease. Therefore, it has been classified as a Variant of Uncertain Significance.

ARUP Laboratories, Molecular Genetics and Genomics, ARUP Laboratories
Classification: Uncertain significance. Last evaluated: 2019-03-18. Review status: criteria provided, single submitter. Criteria: ARUP Molecular Germline Variant Investigation Process. Collection method: clinical testing. Allele origin: germline.
Comment: The TFG c.1198C>T; p.Arg400Ter variant (rs757661070), to our knowledge, has not been reported in the medical literature or gene specific databases. This variant is found in the general population with an allele frequency in non-Finnish European populations of 0.002% (2/111,458 alleles) in the Genome Aggregation Database. This variant results in a premature termination codon in the last exon (8/8) of the TFG gene; however, the peptide is expected to be truncated by a single amino acid and the transcript is expected to evade nonsense mediated decay. Therefore, based on the available information, the clinical significance of this variant is uncertain.

NM_006070.6(TFG):c.1198C>T (p.Arg400Ter)

Gene: TFG (trafficking from ER to golgi regulator; plus strand). Cytogenetic location: 3q12.2.
Variant type: single nucleotide variant.
Coding change: c.1198C>T on transcript NM_006070.6 (MANE Select); coding-DNA position 1198, C replaced by T.
Protein change: p.Arg400Ter; replaces arginine 400 with a stop codon.
Molecular consequence: nonsense.
Genome position (GRCh38, 1-based): chr3:100,748,526, C>T. VCF-style: chr3-100748526-C-T. GRCh37 (hg19) VCF-style: chr3-100467370-C-T.
Other names: c.1198C>T, p.Arg400Ter (NM_001007565.2, NM_001195478.2); c.1186C>T, p.Arg396Ter (NM_001195479.2); short protein forms R396*, R400*.
Identifiers: ClinVar variation 811936 (VCV000811936.9), dbSNP rs757661070, ClinGen allele CA2517271.
Genomic context (GRCh38, chr3:100,748,526, plus strand): 5'-CCTTATGCGCGTAACCGTCCTCCCTTTGGTCAGGGCTATACCCAACCTGGACCTGGTTAT[C>T]GATAAGGAGGCTCCTCTACACCAATTAATGTAGCTGCTAGCTATTGGCCTCCCAAAAGAC-3'